The following is an entry in ClinVar:

NM_017852.5(NLRP2):c.1395T>C (p.Leu465=)

Gene: NLRP2 (NLR family pyrin domain containing 2; plus strand). Cytogenetic location: 19q13.42.
Variant type: single nucleotide variant.
Coding change: c.1395T>C on transcript NM_017852.5 (MANE Select); coding-DNA position 1395, T replaced by C.
Protein change: p.Leu465=; no amino-acid change (leucine 465 retained).
Molecular consequence: synonymous variant. On other transcripts: non-coding transcript variant (1).
Genome position (GRCh38, 1-based): chr19:54,983,093, T>C. VCF-style: chr19-54983093-T-C. GRCh37 (hg19) VCF-style: chr19-55494461-T-C.
Other names: c.1395T>C, p.Leu465= (NM_001174081.3); c.1329T>C, p.Leu443= (NM_001174082.3); c.1326T>C, p.Leu442= (NM_001174083.2); c.1386T>C, p.Leu462= (NM_001348003.2).
Identifiers: ClinVar variation 3037105 (VCV003037105.2), dbSNP rs1654490, ClinGen allele CA310104597.

ClinVar aggregate classification (germline): Likely benign (0 of 4 stars; one submission).

Conditions:
NLRP2-related disorder. Also called: NLRP2-related condition.

Allele frequency attached by ClinVar (database versions not stated): gnomAD exomes below 0.00001; gnomAD 0.00003.
gnomAD v4.1: 11 of 1,613,046 alleles (0.00068%); highest among the groups gnomAD compares: Middle Eastern, 0.017%; no homozygotes.

Submission:

PreventionGenetics, part of Exact Sciences
Classification: Likely benign for NLRP2-related condition. Last evaluated: 2020-11-02. Review status: no assertion criteria provided. Collection method: clinical testing. Allele origin: germline.
Comment: This variant is classified as likely benign based on ACMG/AMP sequence variant interpretation guidelines (Richards et al. 2015 PMID: 25741868, with internal and published modifications).